The following is an entry in ClinVar:

ClinVar aggregate classification (germline): Likely pathogenic (1 of 4 stars; one submission).

Submission:

Labcorp Genetics (formerly Invitae), Labcorp
Classification: Likely pathogenic. Last evaluated: 2023-03-20. Review status: criteria provided, single submitter. Criteria: Invitae Variant Classification Sherloc (09022015). Collection method: clinical testing. Allele origin: germline.
Comment: This sequence change affects a donor splice site in intron 5 of the TCIRG1 gene. It is expected to disrupt RNA splicing. Variants that disrupt the donor or acceptor splice site typically lead to a loss of protein function (PMID: 16199547), and loss-of-function variants in TCIRG1 are known to be pathogenic (PMID: 10888887, 10942435, 11532986, 19448635). This variant is not present in population databases (gnomAD no frequency). This variant has not been reported in the literature in individuals affected with TCIRG1-related conditions. Algorithms developed to predict the effect of sequence changes on RNA splicing suggest that this variant may disrupt the consensus splice site. In summary, the currently available evidence indicates that the variant is pathogenic, but additional data are needed to prove that conclusively. Therefore, this variant has been classified as Likely Pathogenic.

Literature cited by the submitters: PubMed 16199547; PubMed 10888887; PubMed 10942435; PubMed 11532986; PubMed 19448635.

NM_006019.4(TCIRG1):c.503+2T>A

Gene: TCIRG1 (T cell immune regulator 1, ATPase H+ transporting V0 subunit a3; plus strand). Cytogenetic location: 11q13.2.
Variant type: single nucleotide variant.
Coding change: c.503+2T>A on transcript NM_006019.4 (MANE Select); the canonical splice donor site of the intron after coding-DNA position 503, T replaced by A.
Molecular consequence: splice donor variant. On other transcripts: 5 prime UTR variant (2).
Genome position (GRCh38, 1-based): chr11:68,043,033, T>A. VCF-style: chr11-68043033-T-A. GRCh37 (hg19) VCF-style: chr11-67810500-T-A.
Other names: c.-745T>A (NM_001351059.2); c.-483T>A (NM_006053.4).
Identifiers: ClinVar variation 2847941 (VCV002847941.3), dbSNP rs2495617582, ClinGen allele CA381577025.